The following is an entry in ClinVar:

ClinVar aggregate classification (germline): Uncertain significance (1 of 4 stars; one submission).

Submission:

Dasa
Classification: Uncertain significance. Last evaluated: 2025-05-08. Review status: criteria provided, single submitter. Criteria: DASA Assertion Criteria. Collection method: clinical testing. Allele origin: germline.
Comment: NM_015693.4(INTU):c.745T>C (p.Ser249Pro) is a missense variant that results in the substitution of serine with proline. This variant has been observed in affected individuals with INTU-related disorders. Also, this variant is absent from population databases. Computational prediction algorithms are consistent with a benign effect. The currently available literature and clinical evidence are not sufficient to establish a definitive association between this variant and the reported condition. Therefore, this variant is classified as a variant of uncertain significance.

NM_015693.4(INTU):c.745T>C (p.Ser249Pro)

Gene: INTU (inturned planar cell polarity protein; plus strand). Cytogenetic location: 4q28.1.
Variant type: single nucleotide variant.
Coding change: c.745T>C on transcript NM_015693.4 (MANE Select); coding-DNA position 745, T replaced by C.
Protein change: p.Ser249Pro; replaces serine 249 with proline.
Molecular consequence: missense variant.
Genome position (GRCh38, 1-based): chr4:127,656,698, T>C. VCF-style: chr4-127656698-T-C. GRCh37 (hg19) VCF-style: chr4-128577853-T-C.
Other names: short protein forms S249P.
Identifiers: ClinVar variation 4886694 (VCV004886694.2).
Genomic context (GRCh38, chr4:127,656,698, plus strand): 5'-GATGTCCTTGTTGCTGTGAATGATGTCGATGTTACTACTGAAAACATCGAGAGAGTTCTG[T>C]CTTGCATTCCTGGACCTATGCAGGTATGGACATTCTTTTTCTATATTTTATGATGTTACA-3'
Protein context (NP_056508.2, residues 239-259): VTTENIERVL[Ser249Pro]CIPGPMQVKL